The following is an entry in ClinVar:

ClinVar aggregate classification (germline): Uncertain significance. Review status: criteria provided, multiple submitters, no conflicts (2 of 4 stars). 2 submissions from 2 submitters: Uncertain significance (2). Last evaluated 2025-05-29.

Conditions:
Short-rib thoracic dysplasia 14 with polydactyly (SRTD14). Identifiers: Orphanet 397715, MedGen C4225286, MONDO:0014688, OMIM 616546.
Joubert syndrome 23 (JBTS23). Identifiers: Orphanet 475, MedGen C4084822, MONDO:0014664, OMIM 616490.
Inborn genetic diseases. Identifiers: MedGen C0950123, MeSH D030342.

gnomAD v4.1: 2 of 1,606,760 alleles (0.00012%); highest among the groups gnomAD compares: East Asian, 0.0022%; no homozygotes.

Submissions (2):

Ambry Genetics
Classification: Uncertain significance for Inborn genetic diseases. Last evaluated: 2025-05-29. Review status: criteria provided, single submitter. Criteria: Ambry Variant Classification Scheme 2023. Collection method: clinical testing. Allele origin: germline.

Labcorp Genetics (formerly Invitae), Labcorp
Classification: Uncertain significance for Joubert syndrome 23; Short-rib thoracic dysplasia 14 with polydactyly. Last evaluated: 2022-03-09. Review status: criteria provided, single submitter. Criteria: Invitae Variant Classification Sherloc (09022015). Collection method: clinical testing. Allele origin: germline.
Comment: In summary, the available evidence is currently insufficient to determine the role of this variant in disease. Therefore, it has been classified as a Variant of Uncertain Significance. Algorithms developed to predict the effect of missense changes on protein structure and function are either unavailable or do not agree on the potential impact of this missense change (SIFT: "Tolerated"; PolyPhen-2: "Possibly Damaging"; Align-GVGD: "Class C0"). This variant has not been reported in the literature in individuals affected with KIAA0586-related conditions. This variant is not present in population databases (gnomAD no frequency). This sequence change replaces glutamine, which is neutral and polar, with lysine, which is basic and polar, at codon 522 of the KIAA0586 protein (p.Gln522Lys).

NM_001329943.3(KIAA0586):c.1405C>A (p.Gln469Lys)

Gene: KIAA0586 (KIAA0586; plus strand). Cytogenetic location: 14q23.1.
Variant type: single nucleotide variant.
Coding change: c.1405C>A on transcript NM_001329943.3 (MANE Select); coding-DNA position 1405, C replaced by A.
Protein change: p.Gln469Lys; replaces glutamine 469 with lysine.
Molecular consequence: missense variant.
Genome position (GRCh38, 1-based): chr14:58,457,801, C>A. VCF-style: chr14-58457801-C-A. GRCh37 (hg19) VCF-style: chr14-58924519-C-A.
Other names: c.1564C>A, p.Gln522Lys (NM_001244189.2); c.1360C>A, p.Gln454Lys (NM_001244190.2); c.1150C>A, p.Gln384Lys (NM_001244191.2, NM_001329945.2, NM_001364700.1 and 1 more transcripts); c.1273C>A, p.Gln425Lys (NM_001244192.2); c.985C>A, p.Gln329Lys (NM_001244193.2); c.1405C>A, p.Gln469Lys (NM_001329944.2, NM_001329946.2, NM_001329947.2 and 1 more transcripts); c.1405C>A (NM_014749.3); short protein forms Q454K, Q425K, Q469K, Q522K, Q329K, Q384K.
Identifiers: ClinVar variation 1431116 (VCV001431116.6), dbSNP rs1323358756, ClinGen allele CA389868238.
Genomic context (GRCh38, chr14:58,457,801, plus strand): 5'-GTCTTTTTTTCTTTTAAGCCAAAAGAATCTCTGAGTATGTTGAAGCTTCCAGATCTTCCA[C>A]AGAATTCTGTTAAGCTTCAAACAACCAATACAACAAGATCTGTATTGAAAGATGCTGAGA-3'
Protein context (NP_001316872.1, residues 459-479): LSMLKLPDLP[Gln469Lys]NSVKLQTTNT